The following is an entry in ClinVar:

NM_001291303.3(FAT4):c.5429A>T (p.Tyr1810Phe)

Gene: FAT4 (FAT atypical cadherin 4; plus strand). Cytogenetic location: 4q28.1.
Variant type: single nucleotide variant.
Coding change: c.5429A>T on transcript NM_001291303.3 (MANE Select); coding-DNA position 5429, A replaced by T.
Protein change: p.Tyr1810Phe; replaces tyrosine 1810 with phenylalanine.
Molecular consequence: missense variant.
Genome position (GRCh38, 1-based): chr4:125,407,001, A>T. VCF-style: chr4-125407001-A-T. GRCh37 (hg19) VCF-style: chr4-126328156-A-T.
Other names: c.5429A>T, p.Tyr1810Phe (NM_001291285.3, NM_024582.6); c.5429A>T (NM_024582.5); short protein forms Y1810F.
Identifiers: ClinVar variation 1396350 (VCV001396350.11), dbSNP rs201947859, ClinGen allele CA3072717.
Genomic context (GRCh38, chr4:125,407,001, plus strand): 5'-ACCCAGAATCCGGAGATCTGATAGCAACCAGGCGGTTGGACAGGGAACGCCGCTCCAAAT[A>T]TTCACTGCTAGTTCGTGCTGATGATGGTCTTCAGTCCTCGGATATGAGAATTAATATCAC-3'
Protein context (NP_001278232.1, residues 1800-1820): RRLDRERRSK[Tyr1810Phe]SLLVRADDGL

ClinVar aggregate classification (germline): Uncertain significance. Review status: criteria provided, multiple submitters, no conflicts (2 of 4 stars). 5 submissions from 5 submitters: Uncertain significance (5). Last evaluated 2025-06-15.

Conditions:
Inborn genetic diseases. Identifiers: MedGen C0950123, MeSH D030342.
Hennekam lymphangiectasia-lymphedema syndrome 2 (HKLLS2). Identifiers: Orphanet 2136, MedGen C4014939, MONDO:0014454, OMIM 616006.
Van Maldergem syndrome 2 (VMLDS2). Identifiers: Orphanet 314679, MedGen C3809875, MONDO:0014242, OMIM 615546.

Allele frequency attached by ClinVar (database versions not stated): ExAC 0.00002; gnomAD exomes 0.00004 and 0.00015; ESP Exome Variant Server 0.00008; gnomAD 0.00009; TOPMed 0.00009; 1000 Genomes Project 30x 0.00016; 1000 Genomes Project 0.00020.
gnomAD v4.1: 239 of 1,613,888 alleles (0.015%); highest among the groups gnomAD compares: Non-Finnish European, 0.019%; no homozygotes.

Submissions (5):

Labcorp Genetics (formerly Invitae), Labcorp
Classification: Uncertain significance. Last evaluated: 2025-06-15. Review status: criteria provided, single submitter. Criteria: Invitae Variant Classification Sherloc (09022015). Collection method: clinical testing. Allele origin: germline.
Comment: This sequence change replaces tyrosine, which is neutral and polar, with phenylalanine, which is neutral and non-polar, at codon 1810 of the FAT4 protein (p.Tyr1810Phe). This variant is present in population databases (rs201947859, gnomAD 0.01%). This variant has not been reported in the literature in individuals affected with FAT4-related conditions. ClinVar contains an entry for this variant (Variation ID: 1396350). Invitae Evidence Modeling of protein sequence and biophysical properties (such as structural, functional, and spatial information, amino acid conservation, physicochemical variation, residue mobility, and thermodynamic stability) indicates that this missense variant is not expected to disrupt FAT4 protein function with a negative predictive value of 80%. In summary, the available evidence is currently insufficient to determine the role of this variant in disease. Therefore, it has been classified as a Variant of Uncertain Significance.

GeneDx
Classification: Uncertain significance. Last evaluated: 2025-04-27. Review status: criteria provided, single submitter. Criteria: GeneDx Variant Classification Process June 2021. Collection method: clinical testing. Allele origin: germline.
Comment: Not observed at significant frequency in large population cohorts (gnomAD); In silico analysis supports that this missense variant has a deleterious effect on protein structure/function; Has not been previously published as pathogenic or benign to our knowledge

Blueprint Genetics
Classification: Uncertain significance. Last evaluated: 2024-11-04. Review status: criteria provided, single submitter. Criteria: ACMG Guidelines, 2015. Collection method: clinical testing. Allele origin: germline.

Fulgent Genetics
Classification: Uncertain significance for Van Maldergem syndrome 2; Hennekam lymphangiectasia-lymphedema syndrome 2. Last evaluated: 2024-05-22. Review status: criteria provided, single submitter. Criteria: ACMG Guidelines, 2015. Collection method: clinical testing. Allele origin: germline.

Ambry Genetics
Classification: Uncertain significance for Inborn genetic diseases. Last evaluated: 2021-06-11. Review status: criteria provided, single submitter. Criteria: Ambry Variant Classification Scheme 2023. Collection method: clinical testing. Allele origin: germline.